The following is an entry in ClinVar:

NM_130384.3(ATRIP):c.521T>A (p.Leu174His)

Genes: ATRIP (ATR interacting protein; plus strand), ATRIP-TREX1 (ATRIP-TREX1 readthrough; plus strand). Cytogenetic location: 3p21.31.
Variant type: single nucleotide variant.
Coding change: c.521T>A on transcript NM_130384.3 (MANE Select); coding-DNA position 521, T replaced by A.
Protein change: p.Leu174His; replaces leucine 174 with histidine.
Molecular consequence: missense variant. On other transcripts: non-coding transcript variant (1).
Genome position (GRCh38, 1-based): chr3:48,451,868, T>A. VCF-style: chr3-48451868-T-A. GRCh37 (hg19) VCF-style: chr3-48493274-T-A.
Other names: c.140T>A, p.Leu47His (NM_001271022.2); c.242T>A, p.Leu81His (NM_001271023.2); c.521T>A, p.Leu174His (NM_032166.4); short protein forms L47H, L174H, L81H.
Identifiers: ClinVar variation 4182991 (VCV004182991.2).

ClinVar aggregate classification (germline): Uncertain significance (1 of 4 stars; one submission).

Submission:

Ambry Genetics
Classification: Uncertain significance. Last evaluated: 2025-10-25. Review status: criteria provided, single submitter. Criteria: Ambry Variant Classification Scheme 2023. Collection method: clinical testing. Allele origin: germline.
Comment: The p.L174H variant (also known as c.521T>A), located in coding exon 3 of the ATRIP gene, results from a T to A substitution at nucleotide position 521. The leucine at codon 174 is replaced by histidine, an amino acid with similar properties. This amino acid position is conserved. In addition, the in silico prediction for this alteration is inconclusive. Based on the available evidence, the clinical significance of this variant remains unclear.